The following is an entry in ClinVar:

ClinVar aggregate classification (germline): Likely benign (1 of 4 stars; one submission).

Submission:

CeGaT Center for Human Genetics Tuebingen
Classification: Likely benign. Last evaluated: 2026-05-01. Review status: criteria provided, single submitter. Criteria: CeGaT Center For Human Genetics Tuebingen Variant Classification Criteria Version 2. Collection method: clinical testing. Allele origin: germline. Affected: yes. Observed: 1 variant allele.
Comment: SLC19A1: PM2:Supporting, BP4, BP7

NM_194255.4(SLC19A1):c.1698G>T (p.Leu566=)

Gene: SLC19A1 (solute carrier family 19 member 1; minus strand). Cytogenetic location: 21q22.3.
Variant type: single nucleotide variant.
Coding change: c.1698G>T on transcript NM_194255.4 (MANE Select); coding-DNA position 1698, G replaced by T.
Protein change: p.Leu566=; no amino-acid change (leucine 566 retained).
Molecular consequence: synonymous variant. On other transcripts: intron variant (2).
Genome position (GRCh38, 1-based): chr21:45,515,736, C>A on the plus strand (G>T on the coding strand, the complement: SLC19A1 is on the minus strand). VCF-style: chr21-45515736-C-A. GRCh37 (hg19) VCF-style: chr21-46935650-C-A.
Other names: c.1578G>T, p.Leu526= (NM_001205207.3); c.1344G>T, p.Leu448= (NM_001352510.2); c.1698G>T, p.Leu566= (NM_001352512.2); c.1294-584G>T (NM_001352511.3, NM_001205206.4).
Identifiers: ClinVar variation 4873159 (VCV004873159.2).